The following is an entry in ClinVar:

NM_183381.3(RNF13):c.1045A>C (p.Thr349Pro)

Gene: RNF13 (ring finger protein 13; plus strand). Cytogenetic location: 3q25.1.
Variant type: single nucleotide variant.
Coding change: c.1045A>C on transcript NM_183381.3 (MANE Select); coding-DNA position 1045, A replaced by C.
Protein change: p.Thr349Pro; replaces threonine 349 with proline.
Molecular consequence: missense variant. On other transcripts: non-coding transcript variant (1).
Genome position (GRCh38, 1-based): chr3:149,961,003, A>C. VCF-style: chr3-149961003-A-C. GRCh37 (hg19) VCF-style: chr3-149678790-A-C.
Other names: c.1045A>C, p.Thr349Pro (NM_001378285.1, NM_001378286.1, NM_007282.4); c.688A>C, p.Thr230Pro (NM_001378287.1, NM_001378288.1, NM_001378289.1 and 2 more transcripts); c.652A>C, p.Thr218Pro (NM_001378291.1); short protein forms T349P, T218P, T230P.
Identifiers: ClinVar variation 2746596 (VCV002746596.3), dbSNP rs972002974, ClinGen allele CA354936233.

ClinVar aggregate classification (germline): Uncertain significance (1 of 4 stars; one submission).

gnomAD v4.1: 2 of 1,614,246 alleles (0.00012%); highest among the groups gnomAD compares: Admixed American, 0.0017%; no homozygotes.

Submission:

Labcorp Genetics (formerly Invitae), Labcorp
Classification: Uncertain significance. Last evaluated: 2023-07-25. Review status: criteria provided, single submitter. Criteria: Invitae Variant Classification Sherloc (09022015). Collection method: clinical testing. Allele origin: germline.
Comment: An algorithm developed to predict the effect of missense changes on protein structure and function (PolyPhen-2) suggests that this variant is likely to be tolerated. This sequence change replaces threonine, which is neutral and polar, with proline, which is neutral and non-polar, at codon 349 of the RNF13 protein (p.Thr349Pro). This variant is present in population databases (no rsID available, gnomAD 0.003%). This variant has not been reported in the literature in individuals affected with RNF13-related conditions. In summary, the available evidence is currently insufficient to determine the role of this variant in disease. Therefore, it has been classified as a Variant of Uncertain Significance.